The following is an entry in ClinVar:

NM_003823.4(TNFRSF6B):c.356T>G (p.Phe119Cys)

Genes: RTEL1-TNFRSF6B (RTEL1-TNFRSF6B readthrough (NMD candidate); plus strand), TNFRSF6B (TNF receptor superfamily member 6b; plus strand). Cytogenetic location: 20q13.33.
Variant type: single nucleotide variant.
Coding change: c.356T>G on transcript NM_003823.4 (MANE Select); coding-DNA position 356, T replaced by G.
Protein change: p.Phe119Cys; replaces phenylalanine 119 with cysteine.
Molecular consequence: missense variant. On other transcripts: non-coding transcript variant (1).
Genome position (GRCh38, 1-based): chr20:63,697,123, T>G. VCF-style: chr20-63697123-T-G. GRCh37 (hg19) VCF-style: chr20-62328476-T-G.
Other names: short protein forms F119C.
Identifiers: ClinVar variation 2777541 (VCV002777541.3), dbSNP rs1444446635, ClinGen allele CA409711272.

ClinVar aggregate classification (germline): Uncertain significance (1 of 4 stars; one submission).

Allele frequency attached by ClinVar (database versions not stated): gnomAD exomes below 0.00001; TOPMed below 0.00001.
gnomAD v4.1: 3 of 1,595,962 alleles (0.00019%); highest among the groups gnomAD compares: Admixed American, 0.0017%; no homozygotes.

Submission:

Labcorp Genetics (formerly Invitae), Labcorp
Classification: Uncertain significance. Last evaluated: 2022-11-08. Review status: criteria provided, single submitter. Criteria: Invitae Variant Classification Sherloc (09022015). Collection method: clinical testing. Allele origin: germline.
Comment: Algorithms developed to predict the effect of missense changes on protein structure and function are either unavailable or do not agree on the potential impact of this missense change (SIFT: "Deleterious"; PolyPhen-2: "Possibly Damaging"; Align-GVGD: "Class C0"). In summary, the available evidence is currently insufficient to determine the role of this variant in disease. Therefore, it has been classified as a Variant of Uncertain Significance. This variant has not been reported in the literature in individuals affected with TNFRSF6B-related conditions. This variant is present in population databases (no rsID available, gnomAD 0.001%). This sequence change replaces phenylalanine, which is neutral and non-polar, with cysteine, which is neutral and slightly polar, at codon 119 of the TNFRSF6B protein (p.Phe119Cys).